The following is an entry in ClinVar:

NM_000368.5(TSC1):c.1749del (p.Ser584fs)

Gene: TSC1 (TSC complex subunit 1; minus strand). Cytogenetic location: 9q34.13.
Variant type: Deletion.
Coding change: c.1749del on transcript NM_000368.5 (MANE Select); coding-DNA position 1749, one base deleted (C; older notation c.1749delC).
Protein change: p.Ser584fs; shifts the reading frame from serine 584.
Molecular consequence: frameshift variant.
Genome position (GRCh38, 1-based): chr9:132,905,829, G deleted on the plus strand (C on the coding strand, the reverse complement: TSC1 is on the minus strand); the first of 3 consecutive G bases (chr9:132,905,829-132,905,831); deleting any one gives the same sequence. VCF-style (leftmost placement, unchanged base first): chr9-132905828-TG-T. GRCh37 (hg19) VCF-style: chr9-135781215-TG-T.
Other names: c.1746del, p.Ser583fs (NM_001162426.2); c.1596del, p.Ser533fs (NM_001162427.2); c.1386del, p.Ser463fs (NM_001362177.2); short protein forms S463fs, S533fs, S583fs, S584fs.
Identifiers: ClinVar variation 1458387 (VCV001458387.6), dbSNP rs2131827015, ClinGen allele CA2573144281.

ClinVar aggregate classification (germline): Pathogenic (1 of 4 stars; one submission).

Conditions:
Tuberous sclerosis 1 (TSC1). Identifiers: Orphanet 805, MedGen C1854465, MONDO:0008612, OMIM 191100.

Submission:

Labcorp Genetics (formerly Invitae), Labcorp
Classification: Pathogenic for Tuberous sclerosis 1. Last evaluated: 2021-01-19. Review status: criteria provided, single submitter. Criteria: Invitae Variant Classification Sherloc (09022015). Collection method: clinical testing. Allele origin: germline.
Comment: For these reasons, this variant has been classified as Pathogenic. This variant has not been reported in the literature in individuals with TSC1-related conditions. This variant is not present in population databases (ExAC no frequency). This sequence change creates a premature translational stop signal (p.Ser584Valfs*45) in the TSC1 gene. It is expected to result in an absent or disrupted protein product. Loss-of-function variants in TSC1 are known to be pathogenic (PMID: 10227394, 17304050).

Literature cited by the submitters: PubMed 10227394; PubMed 17304050.